The following is an entry in ClinVar:

NM_001164508.2(NEB):c.493C>T (p.Gln165Ter)

Gene: NEB (nebulin; minus strand). Cytogenetic location: 2q23.3.
Variant type: single nucleotide variant.
Coding change: c.493C>T on transcript NM_001164508.2 (MANE Select); coding-DNA position 493, C replaced by T.
Protein change: p.Gln165Ter; replaces glutamine 165 with a stop codon.
Molecular consequence: nonsense.
Genome position (GRCh38, 1-based): chr2:151,724,871, G>A on the plus strand (C>T on the coding strand, the complement: NEB is on the minus strand). VCF-style: chr2-151724871-G-A. GRCh37 (hg19) VCF-style: chr2-152581385-G-A.
Other names: c.493C>T, p.Gln165Ter (NM_001164507.2, NM_001271208.2, NM_004543.5); short protein forms Q165*.
Identifiers: ClinVar variation 854027 (VCV000854027.7), dbSNP rs2099785680, ClinGen allele CA348792631.
Genomic context (GRCh38, chr2:151,724,871, plus strand): 5'-ATGCACATGCTACTGAGTACCCCAGCCATCCATATCATTGCCTTACCTTACTGACTTGCT[G>A]CGACACTTTCTTTGCATGTTCAATATCCTTTGCTTTTTCATCTACGTGACATATAGTCTT-3'

ClinVar aggregate classification (germline): Pathogenic (1 of 4 stars; one submission).

Conditions:
Nemaline myopathy 2 (NEM2). Also called: Nemaline myopathy 2, autosomal recessive. Identifiers: MedGen C1850569, MONDO:0009725, OMIM 256030.

Submission:

Labcorp Genetics (formerly Invitae), Labcorp
Classification: Pathogenic for Nemaline myopathy 2. Last evaluated: 2022-10-30. Review status: criteria provided, single submitter. Criteria: Invitae Variant Classification Sherloc (09022015). Collection method: clinical testing. Allele origin: germline.
Comment: For these reasons, this variant has been classified as Pathogenic. ClinVar contains an entry for this variant (Variation ID: 854027). This variant has not been reported in the literature in individuals affected with NEB-related conditions. This variant is not present in population databases (gnomAD no frequency). This sequence change creates a premature translational stop signal (p.Gln165*) in the NEB gene. It is expected to result in an absent or disrupted protein product. Loss-of-function variants in NEB are known to be pathogenic (PMID: 25205138).

Literature cited by the submitters: PubMed 25205138.